The following is an entry in ClinVar:

ClinVar aggregate classification (germline): Conflicting classifications of pathogenicity. Review status: criteria provided, conflicting classifications (1 of 4 stars). 4 submissions from 4 submitters: Uncertain significance (3); Benign (1). Last evaluated 2025-09-09.

Conditions:
Hereditary cancer-predisposing syndrome. Also called: Neoplastic Syndromes, Hereditary; Tumor predisposition; Hereditary Cancer Syndrome; Hereditary neoplastic syndrome. Identifiers: Orphanet 140162, MedGen C0027672, MeSH D009386, MONDO:0015356.

Allele frequency attached by ClinVar (database versions not stated): gnomAD exomes below 0.00001; ExAC 0.00001.
gnomAD v4.1: 5 of 1,614,236 alleles (0.00031%); highest among the groups gnomAD compares: South Asian, 0.0055%; no homozygotes.

Submissions (4):

Ambry Genetics
Classification: Benign for Hereditary cancer-predisposing syndrome. Last evaluated: 2025-09-09. Review status: criteria provided, single submitter. Criteria: Ambry Variant Classification Scheme 2023. Collection method: clinical testing. Allele origin: germline.

Quest Diagnostics Nichols Institute San Juan Capistrano
Classification: Uncertain significance. Last evaluated: 2024-11-20. Review status: criteria provided, single submitter. Criteria: Quest Diagnostics criteria. Collection method: clinical testing. Allele origin: unknown.
Comment: The MUTYH c.1606C>T (p.His536Tyr) variant has not been reported in individuals with MUTYH-related conditions in the published literature. The frequency of this variant in the general population, 0.000004 (1/251496 chromosomes (Genome Aggregation Database)), is uninformative in the assessment of its pathogenicity. Analysis of this variant using bioinformatics tools for the prediction of the effect of amino acid changes on protein structure and function yielded predictions that this variant is benign. Based on the available information, we are unable to determine the clinical significance of this variant.

Color Diagnostics, LLC DBA Color Health
Classification: Uncertain significance for Hereditary cancer-predisposing syndrome. Last evaluated: 2023-12-04. Review status: criteria provided, single submitter. Criteria: ACMG Guidelines, 2015. Collection method: clinical testing. Allele origin: germline.
Comment: This missense variant replaces histidine with tyrosine at codon 536 of the MUTYH protein. Computational prediction suggests that this variant may not impact protein structure and function (internally defined REVEL score threshold <= 0.5, PMID: 27666373). To our knowledge, functional studies have not been reported for this variant. This variant has not been reported in individuals affected with MUTYH-related disorders in the literature. This variant has been identified in 1/251496 chromosomes in the general population by the Genome Aggregation Database (gnomAD). The available evidence is insufficient to determine the role of this variant in disease conclusively. Therefore, this variant is classified as a Variant of Uncertain Significance.

GeneDx
Classification: Uncertain significance. Last evaluated: 2023-01-06. Review status: criteria provided, single submitter. Criteria: GeneDx Variant Classification Process June 2021. Collection method: clinical testing. Allele origin: germline. Affected: yes.
Comment: Not observed at significant frequency in large population cohorts (gnomAD); In silico analysis supports that this missense variant does not alter protein structure/function; Has not been previously published as pathogenic or benign to our knowledge

NM_001048174.2(MUTYH):c.1522C>T (p.His508Tyr)

Gene: MUTYH (mutY DNA glycosylase; minus strand). Cytogenetic location: 1p34.1.
Variant type: single nucleotide variant.
Coding change: c.1522C>T on transcript NM_001048174.2 (MANE Select); coding-DNA position 1522, C replaced by T.
Protein change: p.His508Tyr; replaces histidine 508 with tyrosine.
Molecular consequence: missense variant. On other transcripts: non-coding transcript variant (2).
Genome position (GRCh38, 1-based): chr1:45,329,350, G>A on the plus strand (C>T on the coding strand, the complement: MUTYH is on the minus strand). VCF-style: chr1-45329350-G-A. GRCh37 (hg19) VCF-style: chr1-45795022-G-A.
Other names: c.1522C>T, p.His508Tyr (NM_001048171.2, NM_001048173.2, NM_001293195.2); c.1525C>T, p.His509Tyr (NM_001048172.2); c.1606C>T, p.His536Tyr (NM_001128425.2); c.1567C>T, p.His523Tyr (NM_001293190.2); c.1555C>T, p.His519Tyr (NM_001293191.2); c.1246C>T, p.His416Tyr (NM_001293192.2, NM_001293196.2); c.1177C>T, p.His393Tyr (NM_001350650.2, NM_001350651.2); c.1597C>T, p.His533Tyr (NM_012222.3); short protein forms H508Y, H509Y, H519Y, H533Y, H536Y, H416Y, H393Y, H523Y.
Identifiers: ClinVar variation 923656 (VCV000923656.10), dbSNP rs746159001, ClinGen allele CA057048.